The following is an entry in ClinVar:

ClinVar aggregate classification (germline): Uncertain significance. Review status: criteria provided, multiple submitters, no conflicts (2 of 4 stars). 2 submissions from 2 submitters: Uncertain significance (2). Last evaluated 2022-06-20.

Conditions:
Spastic paraplegia. Identifiers: MedGen C0037772, HP:0001258.

Allele frequency attached by ClinVar (database versions not stated): ExAC 0.00001; gnomAD exomes 0.00001; TOPMed 0.00003.
gnomAD v4.1: 3 of 1,614,134 alleles (0.00019%); highest among the groups gnomAD compares: Middle Eastern, 0.016%; no homozygotes.

Submissions (2):

Labcorp Genetics (formerly Invitae), Labcorp
Classification: Uncertain significance for Spastic paraplegia. Last evaluated: 2022-06-20. Review status: criteria provided, single submitter. Criteria: Invitae Variant Classification Sherloc (09022015). Collection method: clinical testing. Allele origin: germline.
Comment: This sequence change replaces serine, which is neutral and polar, with arginine, which is basic and polar, at codon 1579 of the ZFYVE26 protein (p.Ser1579Arg). This variant is present in population databases (rs762109249, gnomAD 0.003%). This variant has not been reported in the literature in individuals affected with ZFYVE26-related conditions. ClinVar contains an entry for this variant (Variation ID: 195830). Algorithms developed to predict the effect of missense changes on protein structure and function are either unavailable or do not agree on the potential impact of this missense change (SIFT: "Deleterious"; PolyPhen-2: "Benign"; Align-GVGD: "Class C0"). In summary, the available evidence is currently insufficient to determine the role of this variant in disease. Therefore, it has been classified as a Variant of Uncertain Significance.

Eurofins Ntd Llc (ga)
Classification: Uncertain significance. Last evaluated: 2015-05-26. Review status: criteria provided, single submitter. Criteria: EGL Classification Definitions 2015. Collection method: clinical testing. Allele origin: germline. Observed: 1 variant allele, 1 heterozygote.

NM_015346.4(ZFYVE26):c.4737C>G (p.Ser1579Arg)

Gene: ZFYVE26 (zinc finger FYVE-type containing 26; minus strand). Cytogenetic location: 14q24.1.
Variant type: single nucleotide variant.
Coding change: c.4737C>G on transcript NM_015346.4 (MANE Select); coding-DNA position 4737, C replaced by G.
Protein change: p.Ser1579Arg; replaces serine 1579 with arginine.
Molecular consequence: missense variant.
Genome position (GRCh38, 1-based): chr14:67,778,186, G>C on the plus strand (C>G on the coding strand, the complement: ZFYVE26 is on the minus strand). VCF-style: chr14-67778186-G-C. GRCh37 (hg19) VCF-style: chr14-68244903-G-C.
Other names: short protein forms S1579R.
Identifiers: ClinVar variation 195830 (VCV000195830.6), dbSNP rs762109249, ClinGen allele CA242467.
Genomic context (GRCh38, chr14:67,778,186, plus strand): 5'-TTGCAGAGCCTTGTCATGATCTCTTCTTTCTAGAAGGTGGAGAAGATGCTTTTGATGAAG[G>C]CTGATTAAATGTTCTCTTGGAATGGGGTACAGGCAGCCCCACTCTTCACACAGTTCATAC-3'
Protein context (NP_056161.2, residues 1569-1589): LYPIPREHLI[Ser1579Arg]LHQKHLLHLL